The following is an entry in ClinVar:

NM_001256864.2(DNAJC6):c.521G>A (p.Arg174Gln)

Gene: DNAJC6 (DnaJ heat shock protein family (Hsp40) member C6; plus strand). Cytogenetic location: 1p31.3.
Variant type: single nucleotide variant.
Coding change: c.521G>A on transcript NM_001256864.2 (MANE Select); coding-DNA position 521, G replaced by A.
Protein change: p.Arg174Gln; replaces arginine 174 with glutamine.
Molecular consequence: missense variant.
Genome position (GRCh38, 1-based): chr1:65,366,174, G>A. VCF-style: chr1-65366174-G-A. GRCh37 (hg19) VCF-style: chr1-65831857-G-A.
Other names: c.311G>A, p.Arg104Gln (NM_001256865.2); c.350G>A, p.Arg117Gln (NM_014787.4); c.350G>A (NM_014787.2); short protein forms R117Q, R104Q, R174Q.
Identifiers: ClinVar variation 845295 (VCV000845295.10), dbSNP rs895749847, ClinGen allele CA23906720.

ClinVar aggregate classification (germline): Uncertain significance. Review status: criteria provided, multiple submitters, no conflicts (2 of 4 stars). 2 submissions from 2 submitters: Uncertain significance (2). Last evaluated 2025-01-17.

Conditions:
Inborn genetic diseases. Identifiers: MedGen C0950123, MeSH D030342.
Juvenile onset Parkinson disease 19A. Also called: DNAJC6 Parkinson Disease; PARK19. Identifiers: Orphanet 391411, MedGen C3809811, MONDO:0014231, OMIM 615528.

Allele frequency attached by ClinVar (database versions not stated): gnomAD 0.00001; TOPMed 0.00003.
gnomAD v4.1: 10 of 1,613,284 alleles (0.00062%); highest among the groups gnomAD compares: Admixed American, 0.0017%; no homozygotes.

Submissions (2):

Ambry Genetics
Classification: Uncertain significance for Inborn genetic diseases. Last evaluated: 2025-01-17. Review status: criteria provided, single submitter. Criteria: Ambry Variant Classification Scheme 2023. Collection method: clinical testing. Allele origin: germline.

Labcorp Genetics (formerly Invitae), Labcorp
Classification: Uncertain significance for Juvenile onset Parkinson disease 19A. Last evaluated: 2019-01-14. Review status: criteria provided, single submitter. Criteria: Invitae Variant Classification Sherloc (09022015). Collection method: clinical testing. Allele origin: germline.
Comment: In summary, the available evidence is currently insufficient to determine the role of this variant in disease. Therefore, it has been classified as a Variant of Uncertain Significance. Algorithms developed to predict the effect of missense changes on protein structure and function are either unavailable or do not agree on the potential impact of this missense change (SIFT: "Tolerated"; PolyPhen-2: "Probably Damaging"; Align-GVGD: "Class C0"). This variant has not been reported in the literature in individuals with DNAJC6-related conditions. This variant is not present in population databases (ExAC no frequency). This sequence change replaces arginine with glutamine at codon 174 of the DNAJC6 protein (p.Arg174Gln). The arginine residue is moderately conserved and there is a small physicochemical difference between arginine and glutamine.